The following is an entry in ClinVar:

NM_000388.4(CASR):c.2729C>G (p.Pro910Arg)

Gene: CASR (calcium sensing receptor; plus strand). Cytogenetic location: 3q21.1.
Variant type: single nucleotide variant.
Coding change: c.2729C>G on transcript NM_000388.4 (MANE Select); coding-DNA position 2729, C replaced by G.
Protein change: p.Pro910Arg; replaces proline 910 with arginine.
Molecular consequence: missense variant.
Genome position (GRCh38, 1-based): chr3:122,284,683, C>G. VCF-style: chr3-122284683-C-G. GRCh37 (hg19) VCF-style: chr3-122003530-C-G.
Other names: c.2759C>G, p.Pro920Arg (NM_001178065.2); short protein forms P910R, P920R.
Identifiers: ClinVar variation 640678 (VCV000640678.13), dbSNP rs1219288084, ClinGen allele CA354160638.

ClinVar aggregate classification (germline): Uncertain significance. Review status: criteria provided, multiple submitters, no conflicts (2 of 4 stars). 4 submissions from 4 submitters: Uncertain significance (4). Last evaluated 2025-03-04.

Conditions:
Nephrolithiasis/nephrocalcinosis. Identifiers: MedGen CN580796.
Autosomal dominant hypocalcemia 1 (HYPOC1). Also called: HYPOCALCEMIA, FAMILIAL. Identifiers: MedGen C3715128, MONDO:0011013, OMIM 601198.
Familial hypocalciuric hypercalcemia (FHH). Also called: Familial benign hypercalcemia. Identifiers: Orphanet 405, MedGen C1809471, MONDO:0018458.

Allele frequency attached by ClinVar (database versions not stated): gnomAD exomes below 0.00001.
gnomAD v4.1: 2 of 1,613,502 alleles (0.00012%); highest among the groups gnomAD compares: Non-Finnish European, 0.00017%; no homozygotes.

Submissions (4):

Center for Genomic Medicine, Rigshospitalet, Copenhagen University Hospital
Classification: Uncertain significance. Last evaluated: 2025-03-04. Review status: criteria provided, single submitter. Criteria: ACMG Guidelines, 2015. Collection method: clinical testing. Allele origin: germline.

Labcorp Genetics (formerly Invitae), Labcorp
Classification: Uncertain significance for Familial hypocalciuric hypercalcemia; Autosomal dominant hypocalcemia 1. Last evaluated: 2024-09-09. Review status: criteria provided, single submitter. Criteria: Invitae Variant Classification Sherloc (09022015). Collection method: clinical testing. Allele origin: germline.
Comment: This sequence change replaces proline, which is neutral and non-polar, with arginine, which is basic and polar, at codon 910 of the CASR protein (p.Pro910Arg). This variant is present in population databases (no rsID available, gnomAD 0.0009%). This variant has not been reported in the literature in individuals affected with CASR-related conditions. ClinVar contains an entry for this variant (Variation ID: 640678). An algorithm developed to predict the effect of missense changes on protein structure and function (PolyPhen-2) suggests that this variant is likely to be tolerated. In summary, the available evidence is currently insufficient to determine the role of this variant in disease. Therefore, it has been classified as a Variant of Uncertain Significance.

Ambry Genetics
Classification: Uncertain significance for Nephrolithiasis/nephrocalcinosis. Last evaluated: 2024-06-12. Review status: criteria provided, single submitter. Criteria: Ambry Variant Classification Scheme 2023. Collection method: clinical testing. Allele origin: germline.
Comment: The p.P910R variant (also known as c.2729C>G), located in coding exon 6 of the CASR gene, results from a C to G substitution at nucleotide position 2729. The proline at codon 910 is replaced by arginine, an amino acid with dissimilar properties. This amino acid position is highly conserved in available vertebrate species. In addition, this alteration is predicted to be deleterious by in silico analysis. In addition, the evidence for the gene-disease relationship is limited for pancreatitis and cancer predisposition; therefore, the clinical significance of this variant for CASR-related pancreatitis and cancer predisposition is unclear. Based on the available evidence, the clinical significance of this variant remains unclear.

Blueprint Genetics
Classification: Uncertain significance. Last evaluated: 2021-01-25. Review status: criteria provided, single submitter. Criteria: ACMG Guidelines, 2015. Collection method: clinical testing. Allele origin: germline.